The following is an entry in ClinVar:

NM_002734.5(PRKAR1A):c.153G>A (p.Arg51=)

Gene: PRKAR1A (protein kinase cAMP-dependent type I regulatory subunit alpha; plus strand). Cytogenetic location: 17q24.2.
Variant type: single nucleotide variant.
Coding change: c.153G>A on transcript NM_002734.5 (MANE Select); coding-DNA position 153, G replaced by A.
Protein change: p.Arg51=; no amino-acid change (arginine 51 retained).
Molecular consequence: synonymous variant.
Genome position (GRCh38, 1-based): chr17:68,515,552, G>A. VCF-style: chr17-68515552-G-A. GRCh37 (hg19) VCF-style: chr17-66511693-G-A.
Other names: c.153G>A, p.Arg51= (NM_001276289.2, NM_001276290.1, NM_001278433.2 and 4 more transcripts).
Identifiers: ClinVar variation 745395 (VCV000745395.16), dbSNP rs201472242, ClinGen allele CA8729164.

ClinVar aggregate classification (germline): Likely benign. Review status: criteria provided, multiple submitters, no conflicts (2 of 4 stars). 3 submissions from 3 submitters: Likely benign (3). Last evaluated 2026-03-01.

Conditions:
Hereditary cancer-predisposing syndrome. Also called: Hereditary Cancer Syndrome; Neoplastic Syndromes, Hereditary; Hereditary neoplastic syndrome; Tumor predisposition. Identifiers: Orphanet 140162, MedGen C0027672, MeSH D009386, MONDO:0015356.
Carney complex, type 1 (CNC1). Also called: CARNEY MYXOMA-ENDOCRINE COMPLEX; CARNEY COMPLEX, TYPE I. Identifiers: Orphanet 1359, MedGen C2607929, MONDO:0008057, OMIM 160980.

Allele frequency attached by ClinVar (database versions not stated): gnomAD exomes below 0.00001 and 0.00001; TOPMed below 0.00001; gnomAD 0.00001; ExAC 0.00002; ESP Exome Variant Server 0.00008; 1000 Genomes Project 0.00020; 1000 Genomes Project 30x 0.00031.
gnomAD v4.1: 4 of 1,612,612 alleles (0.00025%); highest among the groups gnomAD compares: African/African-American, 0.0013%; no homozygotes.

Submissions (3):

CeGaT Center for Human Genetics Tuebingen
Classification: Likely benign. Last evaluated: 2026-03-01. Review status: criteria provided, single submitter. Criteria: CeGaT Center For Human Genetics Tuebingen Variant Classification Criteria Version 2. Collection method: clinical testing. Allele origin: germline. Affected: yes. Observed: 1 variant allele.
Comment: PRKAR1A: BP4

Labcorp Genetics (formerly Invitae), Labcorp
Classification: Likely benign for Carney complex, type 1. Last evaluated: 2025-12-15. Review status: criteria provided, single submitter. Criteria: Invitae Variant Classification Sherloc (09022015). Collection method: clinical testing. Allele origin: germline.

Ambry Genetics
Classification: Likely benign for Hereditary cancer-predisposing syndrome. Last evaluated: 2022-06-24. Review status: criteria provided, single submitter. Criteria: Ambry Variant Classification Scheme 2023. Collection method: clinical testing. Allele origin: germline.